The following is an entry in ClinVar:

ClinVar aggregate classification (germline): Uncertain significance (1 of 4 stars; one submission).

Conditions:
Cardiovascular phenotype. Identifiers: MedGen CN230736.

Submission:

Ambry Genetics
Classification: Uncertain significance for Cardiovascular phenotype. Last evaluated: 2022-08-30. Review status: criteria provided, single submitter. Criteria: Ambry Variant Classification Scheme 2023. Collection method: clinical testing. Allele origin: germline.
Comment: The p.S72A variant (also known as c.214T>G), located in coding exon 2 of the APOE gene, results from a T to G substitution at nucleotide position 214. The serine at codon 72 is replaced by alanine, an amino acid with similar properties. This amino acid position is conserved. In addition, this alteration is predicted to be tolerated by in silico analysis. Since supporting evidence is limited at this time, the clinical significance of this alteration remains unclear.

NM_000041.4(APOE):c.214T>G (p.Ser72Ala)

Gene: APOE (apolipoprotein E; plus strand). Cytogenetic location: 19q13.32.
Variant type: single nucleotide variant.
Coding change: c.214T>G on transcript NM_000041.4 (MANE Select); coding-DNA position 214, T replaced by G.
Protein change: p.Ser72Ala; replaces serine 72 with alanine.
Molecular consequence: missense variant.
Genome position (GRCh38, 1-based): chr19:44,907,930, T>G. VCF-style: chr19-44907930-T-G. GRCh37 (hg19) VCF-style: chr19-45411187-T-G.
Other names: c.292T>G, p.Ser98Ala (NM_001302688.2); c.214T>G, p.Ser72Ala (NM_001302689.2, NM_001302690.2, NM_001302691.2); short protein forms S98A, S72A.
Identifiers: ClinVar variation 1786732 (VCV001786732.2), dbSNP rs757100480, ClinGen allele CA406303547.
Genomic context (GRCh38, chr19:44,907,930, plus strand): 5'-TGGGATTACCTGCGCTGGGTGCAGACACTGTCTGAGCAGGTGCAGGAGGAGCTGCTCAGC[T>G]CCCAGGTCACCCAGGAACTGAGGTGAGTGTCCCCATCCTGGCCCTTGACCCTCCTGGTGG-3'
Protein context (NP_000032.1, residues 62-82): SEQVQEELLS[Ser72Ala]QVTQELRALM